The following is an entry in ClinVar:

ClinVar aggregate classification (germline): Uncertain significance (1 of 4 stars; one submission).

Conditions:
Peroxisome biogenesis disorder 2B (PBD2B). Identifiers: Orphanet 44, MedGen C3550234, MONDO:0008736, OMIM 202370.

Submission:

Labcorp Genetics (formerly Invitae), Labcorp
Classification: Uncertain significance for Peroxisome biogenesis disorder 2B. Last evaluated: 2022-03-24. Review status: criteria provided, single submitter. Criteria: Invitae Variant Classification Sherloc (09022015). Collection method: clinical testing. Allele origin: germline.
Comment: This sequence change replaces glutamic acid, which is acidic and polar, with glutamine, which is neutral and polar, at codon 10 of the PEX5 protein (p.Glu10Gln). This variant is not present in population databases (gnomAD no frequency). This variant has not been reported in the literature in individuals affected with PEX5-related conditions. Algorithms developed to predict the effect of missense changes on protein structure and function are either unavailable or do not agree on the potential impact of this missense change (SIFT: "Tolerated"; PolyPhen-2: "Possibly Damaging"; Align-GVGD: "Class C0"). In summary, the available evidence is currently insufficient to determine the role of this variant in disease. Therefore, it has been classified as a Variant of Uncertain Significance.

NM_001351132.2(PEX5):c.28G>C (p.Glu10Gln)

Gene: PEX5 (peroxisomal biogenesis factor 5; plus strand). Cytogenetic location: 12p13.31.
Variant type: single nucleotide variant.
Coding change: c.28G>C on transcript NM_001351132.2 (MANE Select); coding-DNA position 28, G replaced by C.
Protein change: p.Glu10Gln; replaces glutamic acid 10 with glutamine.
Molecular consequence: missense variant.
Genome position (GRCh38, 1-based): chr12:7,190,405, G>C. VCF-style: chr12-7190405-G-C. GRCh37 (hg19) VCF-style: chr12-7343001-G-C.
Other names: c.28G>C, p.Glu10Gln (NM_000319.5, NM_001131023.2, NM_001131024.2 and 22 more transcripts); short protein forms E10Q.
Identifiers: ClinVar variation 1524939 (VCV001524939.3), dbSNP rs747725502, ClinGen allele CA383707087.